The following is an entry in ClinVar:

ClinVar aggregate classification (germline): Benign (1 of 4 stars; one submission).

Allele frequency attached by ClinVar (database versions not stated): gnomAD exomes 0.00159; gnomAD 0.01728 and 0.01855; TOPMed 0.01946; 1000 Genomes Project 0.02057; 1000 Genomes Project 30x 0.02202.
gnomAD v4.1: 3,311 of 551,948 alleles (0.6%); highest among the groups gnomAD compares: African/African-American, 5.9%; 86 homozygotes.

Submission:

GeneDx
Classification: Benign. Last evaluated: 2018-06-14. Review status: criteria provided, single submitter. Criteria: GeneDx Variant Classification (06012015). Collection method: clinical testing. Allele origin: germline. Affected: yes.
Comment: This variant is considered likely benign or benign based on one or more of the following criteria: it is a conservative change, it occurs at a poorly conserved position in the protein, it is predicted to be benign by multiple in silico algorithms, and/or has population frequency not consistent with disease.

NM_006939.4(SOS2):c.859-123A>G

Gene: SOS2 (SOS Ras/Rho guanine nucleotide exchange factor 2; minus strand). Cytogenetic location: 14q21.3.
Variant type: single nucleotide variant.
Coding change: c.859-123A>G on transcript NM_006939.4 (MANE Select); 123 bases into the intron before coding-DNA position 859, A replaced by G.
Molecular consequence: intron variant.
Genome position (GRCh38, 1-based): chr14:50,180,805, T>C on the plus strand (A>G on the coding strand, the complement: SOS2 is on the minus strand). VCF-style: chr14-50180805-T-C. GRCh37 (hg19) VCF-style: chr14-50647523-T-C.
Identifiers: ClinVar variation 561642 (VCV000561642.1), dbSNP rs73289621, ClinGen allele CA260706847.
Genomic context (GRCh38, chr14:50,180,805, plus strand): 5'-ACAGATTATTATCACTTGATCCCAGGAGTTCGAGGTTACAGTGAGCTATGATTGTGCCAC[T>C]ATATTCCAGCTCGAGCAACAGAGTGAAACCCTGTCTCAAAAGAAAAGAAAGAAATGAAAA-3'